The following is an entry in ClinVar:

NM_033004.4(NLRP1):c.922C>T (p.Arg308Ter)

Gene: NLRP1 (NLR family pyrin domain containing 1; minus strand). Cytogenetic location: 17p13.2.
Variant type: single nucleotide variant.
Coding change: c.922C>T on transcript NM_033004.4 (MANE Select); coding-DNA position 922, C replaced by T.
Protein change: p.Arg308Ter; replaces arginine 308 with a stop codon.
Molecular consequence: nonsense.
Genome position (GRCh38, 1-based): chr17:5,559,774, G>A on the plus strand (C>T on the coding strand, the complement: NLRP1 is on the minus strand). VCF-style: chr17-5559774-G-A. GRCh37 (hg19) VCF-style: chr17-5463094-G-A.
Other names: c.922C>T, p.Arg308Ter (NM_001033053.3, NM_014922.5, NM_033006.4 and 1 more transcripts); short protein forms R308*.
Identifiers: ClinVar variation 225421 (VCV000225421.2), dbSNP rs758319723, ClinGen allele CA8327463.

ClinVar aggregate classification (germline): Uncertain significance. Review status: criteria provided, multiple submitters, no conflicts (2 of 4 stars). 2 submissions from 2 submitters: Uncertain significance (2). Last evaluated 2026-02-02.

Conditions:
Corneal intraepithelial dyskeratosis-palmoplantar hyperkeratosis-laryngeal dyskeratosis syndrome. Also called: Palmoplantar carcinoma, multiple self-healing. Identifiers: Orphanet 352662, MedGen C3808876, MONDO:0014089, OMIM 615225.

Allele frequency attached by ClinVar (database versions not stated): gnomAD exomes 0.00001 and below 0.00001; ExAC 0.00001.
gnomAD v4.1: 5 of 1,614,218 alleles (0.00031%); highest among the groups gnomAD compares: Middle Eastern, 0.016%; no homozygotes.

Submissions (2):

Labcorp Genetics (formerly Invitae), Labcorp
Classification: Uncertain significance. Last evaluated: 2026-02-02. Review status: criteria provided, single submitter. Criteria: Invitae Variant Classification Sherloc (09022015). Collection method: clinical testing. Allele origin: germline.
Comment: This sequence change creates a premature translational stop signal (p.Arg308*) in the NLRP1 gene. It is expected to result in an absent or disrupted protein product. However, the current clinical and genetic evidence is not sufficient to establish whether loss-of-function variants in NLRP1 cause disease. This variant is present in population databases (rs758319723, gnomAD 0.006%). This variant has not been reported in the literature in individuals affected with NLRP1-related conditions. ClinVar contains an entry for this variant (Variation ID: 225421). In summary, the available evidence is currently insufficient to determine the role of this variant in disease. Therefore, it has been classified as a Variant of Uncertain Significance.

Soonchunhyang University Bucheon Hospital, Soonchunhyang University Medical Center
Classification: Uncertain significance for Corneal intraepithelial dyskeratosis-palmoplantar hyperkeratosis-laryngeal dyskeratosis syndrome. Last evaluated: 2016-03-18. Review status: criteria provided, single submitter. Criteria: ACMG Guidelines, 2015. Collection method: reference population. Allele origin: germline. Observed: 1 variant allele.

Literature cited by the submitters: PubMed 17377159 (cited by Soonchunhyang University Bucheon Hospital, Soonchunhyang University Medical Center); PubMed 23349227 (cited by Soonchunhyang University Bucheon Hospital, Soonchunhyang University Medical Center).